The following is an entry in ClinVar:

ClinVar aggregate classification (germline): Pathogenic/Likely pathogenic. Review status: criteria provided, multiple submitters, no conflicts (2 of 4 stars). 7 submissions from 7 submitters: Pathogenic (5); Likely pathogenic (1). 1 of the submissions does not count toward it. Last evaluated 2025-10-10.

Conditions:
Hereditary cancer-predisposing syndrome. Also called: Neoplastic Syndromes, Hereditary; Hereditary Cancer Syndrome; Tumor predisposition; Hereditary neoplastic syndrome. Identifiers: Orphanet 140162, MedGen C0027672, MeSH D009386, MONDO:0015356.
Familial cancer of breast. Also called: BREAST CANCER, FAMILIAL; Hereditary breast cancer; hereditary breast carcinoma. Identifiers: Orphanet 227535, MedGen C0346153, MONDO:0016419, OMIM 114480. Disease mechanism: loss of function.

Submissions (7):

Institute of Human Genetics, FAU Erlangen, Friedrich-Alexander-Universität Erlangen-Nürnberg
Classification: Pathogenic. Last evaluated: 2025-10-10. Review status: criteria provided, single submitter. Criteria: Hauer et al. (Genet Med. 2018). Collection method: clinical testing. Allele origin: germline. Inheritance: Unknown mechanism. Affected: yes. Observed: 1 variant allele.
Comment: This variant has been identified by standard clinical testing.

Ambry Genetics
Classification: Pathogenic for Hereditary cancer-predisposing syndrome. Last evaluated: 2025-03-14. Review status: criteria provided, single submitter. Criteria: Ambry Variant Classification Scheme 2023. Collection method: clinical testing. Allele origin: germline.
Comment: The c.2832delC pathogenic mutation, located in coding exon 8 of the PALB2 gene, results from a deletion of one nucleotide at nucleotide position 2832, causing a translational frameshift with a predicted alternate stop codon (p.R945Gfs*17). This alteration was observed in 1/7,051 unselected female breast cancer patients and not in 11,241 female controls, 53 unselected male breast cancer patients, or 12,490 male controls of Japanese ancestry (Momozawa Y et al. Nat Commun, 2018 10;9:4083). This variant is considered to be rare based on population cohorts in the Genome Aggregation Database (gnomAD). In addition to the clinical data presented in the literature, this alteration is expected to result in loss of function by premature protein truncation or nonsense-mediated mRNA decay. As such, this alteration is interpreted as a disease-causing mutation.

Revvity Omics, Revvity
Classification: Likely pathogenic. Last evaluated: 2025-01-29. Review status: criteria provided, single submitter. Criteria: ACMG Guidelines, 2015. Collection method: clinical testing. Allele origin: germline.

Color Diagnostics, LLC DBA Color Health
Classification: Pathogenic for Hereditary cancer-predisposing syndrome. Last evaluated: 2024-09-03. Review status: criteria provided, single submitter. Criteria: ACMG Guidelines, 2015. Collection method: clinical testing. Allele origin: germline.
Comment: This variant deletes 1 nucleotide in exon 8 of the PALB2 gene, creating a frameshift and premature translation stop signal. This variant is expected to result in an absent or non-functional protein product. This variant has been reported in a breast cancer case-control study in 1/7051 cases and absent in 11241 unaffected control individuals (PMID: 30287823) and it also has been reported in an individual affected with pancreatic cancer (PMID: 30836094). This variant has not been identified in the general population by the Genome Aggregation Database (gnomAD). Loss of PALB2 function is a known mechanism of disease. Based on the available evidence, this variant is classified as Pathogenic.

Labcorp Genetics (formerly Invitae), Labcorp
Classification: Pathogenic for Familial cancer of breast. Last evaluated: 2024-03-06. Review status: criteria provided, single submitter. Criteria: Invitae Variant Classification Sherloc (09022015). Collection method: clinical testing. Allele origin: germline.
Comment: This sequence change creates a premature translational stop signal (p.Arg945Glyfs*17) in the PALB2 gene. It is expected to result in an absent or disrupted protein product. Loss-of-function variants in PALB2 are known to be pathogenic (PMID: 17200668, 17200671, 17200672, 24136930, 25099575). This variant is not present in population databases (gnomAD no frequency). This premature translational stop signal has been observed in individual(s) with breast cancer (PMID: 30287823). ClinVar contains an entry for this variant (Variation ID: 402302). Algorithms developed to predict the effect of sequence changes on RNA splicing suggest that this variant may disrupt the consensus splice site. For these reasons, this variant has been classified as Pathogenic.

Myriad Genetics, Inc.
Classification: Pathogenic for Familial cancer of breast. Last evaluated: 2023-09-13. Review status: criteria provided, single submitter. Criteria: Myriad Autosomal Dominant, Autosomal Recessive and X-Linked Classification Criteria (2023). Collection method: clinical testing. Allele origin: unknown.
Comment: This variant is considered pathogenic. This variant creates a frameshift predicted to result in premature protein truncation.

Leiden Open Variation Database
Classification: Pathogenic. Last evaluated: 2018-10-10. Review status: no assertion criteria provided. Collection method: curation. Allele origin: germline. Affected: yes. Not counted in ClinVar's aggregate classification.
Comment: Curators: Marc Tischkowitz, Arleen D. Auerbach. Submitter to LOVD: Yukihide Momozawa.

Literature cited by the submitters: PubMed 30287823 (cited by 4 submitters); PubMed 30836094 (cited by Color Diagnostics, LLC DBA Color Health); PubMed 17200668 (cited by Labcorp Genetics (formerly Invitae), Labcorp); PubMed 17200671 (cited by Labcorp Genetics (formerly Invitae), Labcorp); PubMed 17200672 (cited by Labcorp Genetics (formerly Invitae), Labcorp); PubMed 24136930 (cited by Labcorp Genetics (formerly Invitae), Labcorp); PubMed 25099575 (cited by Labcorp Genetics (formerly Invitae), Labcorp).

NM_024675.4(PALB2):c.2832del (p.Arg945fs)

Gene: PALB2 (partner and localizer of BRCA2; minus strand). Cytogenetic location: 16p12.2.
Variant type: Deletion.
Coding change: c.2832del on transcript NM_024675.4 (MANE Select); coding-DNA position 2832, one base deleted (C; older notation c.2832delC).
Protein change: p.Arg945fs; shifts the reading frame from arginine 945.
Molecular consequence: frameshift variant.
Genome position (GRCh38, 1-based): chr16:23,624,011, G deleted on the plus strand (C on the coding strand, the reverse complement: PALB2 is on the minus strand). VCF-style (leftmost placement, unchanged base first): chr16-23624010-TG-T. GRCh37 (hg19) VCF-style: chr16-23635331-TG-T.
Other names: NM_024675.3:c.2832del; c.2832delC (NM_024675.3); short protein forms R945fs.
Identifiers: ClinVar variation 402302 (VCV000402302.22), dbSNP rs1060499823, ClinGen allele CA16609592.